The following is an entry in ClinVar:

ClinVar aggregate classification (germline): Uncertain significance (1 of 4 stars; one submission).

Conditions:
Marfan syndrome (MFS). Also called: MARFAN SYNDROME, TYPE I; Marfan syndrome type 1; Marfan's syndrome; Marfan syndrome, classic; FBN1-Related Marfan Syndrome. Identifiers: Orphanet 284963, Orphanet 558, MedGen C0024796, MONDO:0007947, OMIM 154700.
Familial thoracic aortic aneurysm and aortic dissection (TAAD). Also called: Thoracic aortic aneurysms and dissections. Identifiers: Orphanet 91387, MedGen C4707243, MONDO:0019625.

Submission:

Labcorp Genetics (formerly Invitae), Labcorp
Classification: Uncertain significance for Marfan syndrome; Familial thoracic aortic aneurysm and aortic dissection. Last evaluated: 2024-01-02. Review status: criteria provided, single submitter. Criteria: Invitae Variant Classification Sherloc (09022015). Collection method: clinical testing. Allele origin: germline.
Comment: This sequence change replaces alanine, which is neutral and non-polar, with threonine, which is neutral and polar, at codon 2025 of the FBN1 protein (p.Ala2025Thr). This variant is not present in population databases (gnomAD no frequency). This variant has not been reported in the literature in individuals affected with FBN1-related conditions. Advanced modeling of protein sequence and biophysical properties (such as structural, functional, and spatial information, amino acid conservation, physicochemical variation, residue mobility, and thermodynamic stability) performed at Invitae indicates that this missense variant is not expected to disrupt FBN1 protein function with a negative predictive value of 95%. In summary, the available evidence is currently insufficient to determine the role of this variant in disease. Therefore, it has been classified as a Variant of Uncertain Significance.

NM_000138.5(FBN1):c.6073G>A (p.Ala2025Thr)

Gene: FBN1 (fibrillin 1; minus strand). Cytogenetic location: 15q21.1.
Variant type: single nucleotide variant.
Coding change: c.6073G>A on transcript NM_000138.5 (MANE Select); coding-DNA position 6073, G replaced by A.
Protein change: p.Ala2025Thr; replaces alanine 2025 with threonine.
Molecular consequence: missense variant.
Genome position (GRCh38, 1-based): chr15:48,441,811, C>T on the plus strand (G>A on the coding strand, the complement: FBN1 is on the minus strand). VCF-style: chr15-48441811-C-T. GRCh37 (hg19) VCF-style: chr15-48734008-C-T.
Other names: c.6073G>A, p.Ala2025Thr (NM_001406716.1); short protein forms A2025T.
Identifiers: ClinVar variation 2924954 (VCV002924954.3), dbSNP rs113577372, ClinGen allele CA392338460.